The following is an entry in ClinVar:

ClinVar aggregate classification (germline): Pathogenic (1 of 4 stars; one submission).

Conditions:
von Willebrand disease type 1 (VWD1). Also called: VON WILLEBRAND DISEASE, TYPE I; VWD, TYPE 1. Identifiers: Orphanet 166078, Orphanet 903, MedGen C1264039, MONDO:0008668, OMIM 193400. Inheritance: autosomal recessive or autosomal dominant.

Submission:

Victorian Clinical Genetics Services, Murdoch Childrens Research Institute
Classification: Pathogenic for von Willebrand disease type 1. Last evaluated: 2025-01-06. Review status: criteria provided, single submitter. Criteria: ACMG Guidelines, 2015. Collection method: clinical testing. Allele origin: germline.
Comment: This variant is classified as Pathogenic. Evidence in support of pathogenic classification: Variant is predicted to cause nonsense-mediated decay (NMD) and loss of protein (premature termination codon is located at least 54 nucleotides upstream of the final exon-exon junction); Variant is absent from gnomAD (v2, v3 and v4); Other NMD variant(s) comparable to the one identified in this case have very strong previous evidence for pathogenicity (ClinVar, DECIPHER). Additional information: This variant is heterozygous; This gene is associated with both recessive and dominant disease. VWD can be both dominantly and recessively inherited, and is categorised into six different types: 1 (MIM#193400), 2A, 2B, 2M, 2N (MIM#613554) and 3 (MIM#277480); This variant has no previous evidence of pathogenicity; Dominant negative, gain of function and loss of function are known mechanisms of disease in this gene and are associated with von Willebrand disease (VWD) (OMIM, PMID: 30488424); The condition associated with this gene has incomplete penetrance (PMID: 19372260); Variants in this gene are known to have variable expressivity (PMID: 19372260); Inheritance information for this variant is not currently available in this individual.

Literature cited by the submitters: PubMed 30488424; PubMed 19372260.

NM_000552.5(VWF):c.7332G>A (p.Trp2444Ter)

Gene: VWF (von Willebrand factor; minus strand). Cytogenetic location: 12p13.31.
Variant type: single nucleotide variant.
Coding change: c.7332G>A on transcript NM_000552.5 (MANE Select); coding-DNA position 7332, G replaced by A.
Protein change: p.Trp2444Ter; replaces tryptophan 2444 with a stop codon.
Molecular consequence: nonsense.
Genome position (GRCh38, 1-based): chr12:5,976,216, C>T on the plus strand (G>A on the coding strand, the complement: VWF is on the minus strand). VCF-style: chr12-5976216-C-T. GRCh37 (hg19) VCF-style: chr12-6085382-C-T.
Other names: short protein forms W2444*.
Identifiers: ClinVar variation 4531429 (VCV004531429.1).